The following is an entry in ClinVar:

ClinVar aggregate classification (germline): Conflicting classifications of pathogenicity. Review status: criteria provided, conflicting classifications (1 of 4 stars). 3 submissions from 3 submitters: Uncertain significance (1); Likely benign (2). Last evaluated 2025-06-07.

Conditions:
Inborn genetic diseases. Identifiers: MedGen C0950123, MeSH D030342.
Peroxisome biogenesis disorder. Identifiers: Orphanet 79189, MedGen C1832200, MONDO:0019234. Disease mechanism: loss of function.

Allele frequency attached by ClinVar (database versions not stated): TOPMed 0.00001; ExAC 0.00002; gnomAD 0.00002; gnomAD exomes 0.00002.
gnomAD v4.1: 31 of 1,608,958 alleles (0.0019%); highest among the groups gnomAD compares: Middle Eastern, 0.016%; no homozygotes.

Submissions (3):

Ambry Genetics
Classification: Likely benign for Inborn genetic diseases. Last evaluated: 2025-06-07. Review status: criteria provided, single submitter. Criteria: Ambry Variant Classification Scheme 2023. Collection method: clinical testing. Allele origin: germline.

Labcorp Genetics (formerly Invitae), Labcorp
Classification: Uncertain significance for Peroxisome biogenesis disorder. Last evaluated: 2022-08-13. Review status: criteria provided, single submitter. Criteria: Invitae Variant Classification Sherloc (09022015). Collection method: clinical testing. Allele origin: germline.
Comment: This sequence change replaces arginine, which is basic and polar, with tryptophan, which is neutral and slightly polar, at codon 198 of the PEX16 protein (p.Arg198Trp). This variant is present in population databases (rs774218187, gnomAD 0.004%). This variant has not been reported in the literature in individuals affected with PEX16-related conditions. ClinVar contains an entry for this variant (Variation ID: 933460). Algorithms developed to predict the effect of missense changes on protein structure and function output the following: SIFT: "Tolerated"; PolyPhen-2: "Benign"; Align-GVGD: "Class C0". The tryptophan amino acid residue is found in multiple mammalian species, which suggests that this missense change does not adversely affect protein function. In summary, the available evidence is currently insufficient to determine the role of this variant in disease. Therefore, it has been classified as a Variant of Uncertain Significance.

Blueprint Genetics
Classification: Likely benign. Last evaluated: 2021-10-19. Review status: criteria provided, single submitter. Criteria: ACMG Guidelines, 2015. Collection method: clinical testing. Allele origin: germline.

NM_004813.4(PEX16):c.592C>T (p.Arg198Trp)

Gene: PEX16 (peroxisomal biogenesis factor 16; minus strand). Cytogenetic location: 11p11.2.
Variant type: single nucleotide variant.
Coding change: c.592C>T on transcript NM_004813.4 (MANE Select); coding-DNA position 592, C replaced by T.
Protein change: p.Arg198Trp; replaces arginine 198 with tryptophan.
Molecular consequence: missense variant.
Genome position (GRCh38, 1-based): chr11:45,914,418, G>A on the plus strand (C>T on the coding strand, the complement: PEX16 is on the minus strand). VCF-style: chr11-45914418-G-A. GRCh37 (hg19) VCF-style: chr11-45935969-G-A.
Other names: c.592C>T, p.Arg198Trp (NM_057174.3); short protein forms R198W.
Identifiers: ClinVar variation 933460 (VCV000933460.7), dbSNP rs774218187, ClinGen allele CA5959912.